The following is an entry in ClinVar:

ClinVar aggregate classification (germline): Pathogenic (1 of 4 stars; one submission).

Conditions:
Early onset severe obesity. Identifiers: MedGen C4013980.

gnomAD v4.1: 2 of 1,600,698 alleles (0.00012%); highest among the groups gnomAD compares: Non-Finnish European, 0.00017%; no homozygotes.

Submission:

Cambridge Genomics Laboratory, East Genomic Laboratory Hub, NHS Genomic Medicine Service
Classification: Pathogenic for Severe early-onset obesity. Last evaluated: 2024-11-21. Review status: criteria provided, single submitter. Criteria: ACGS Best Practice Guidelines for Variant Classification in Rare Disease 2020. Collection method: clinical testing. Allele origin: germline. Affected: yes.
Comment: The p.Glu92Ter variant is novel (not in any individuals) in gnomAD All. The p.Glu92Ter variant is novel (not in any individuals) in 1kG All. (PM2 - Moderate) | This variant is a stop gained variant which occurs in an exon of CPE upstream of where nonsense mediated decay is predicted to occur. This variant has been previously classified as pathogenic, indicating that the region is critical to protein function. There are 4 downstream pathogenic loss of function variants, with the furthest variant being 292 residues downstream of this variant. This indicates that the region is critical to protein function. The p.Glu92Ter variant is a loss of function variant in the gene CPE, which is intolerant of Loss of Function variants, as indicated by the presence of existing pathogenic loss of function variant NP_001864.1:p.R121* and 3 others. (PVS1 - Very Strong)

NM_001873.4(CPE):c.274G>T (p.Glu92Ter)

Gene: CPE (carboxypeptidase E; plus strand). Cytogenetic location: 4q32.3.
Variant type: single nucleotide variant.
Coding change: c.274G>T on transcript NM_001873.4 (MANE Select); coding-DNA position 274, G replaced by T.
Protein change: p.Glu92Ter; replaces glutamic acid 92 with a stop codon.
Molecular consequence: nonsense.
Genome position (GRCh38, 1-based): chr4:165,379,495, G>T. VCF-style: chr4-165379495-G-T. GRCh37 (hg19) VCF-style: chr4-166300647-G-T.
Other names: short protein forms E92*.
Identifiers: ClinVar variation 4812840 (VCV004812840.1).